The following is an entry in ClinVar:

NM_182961.4(SYNE1):c.4680C>A (p.Asn1560Lys)

Gene: SYNE1 (spectrin repeat containing nuclear envelope protein 1; minus strand). Cytogenetic location: 6q25.2.
Variant type: single nucleotide variant.
Coding change: c.4680C>A on transcript NM_182961.4 (MANE Select); coding-DNA position 4680, C replaced by A.
Protein change: p.Asn1560Lys; replaces asparagine 1560 with lysine.
Molecular consequence: missense variant.
Genome position (GRCh38, 1-based): chr6:152,430,491, G>T on the plus strand (C>A on the coding strand, the complement: SYNE1 is on the minus strand). VCF-style: chr6-152430491-G-T. GRCh37 (hg19) VCF-style: chr6-152751626-G-T.
Other names: c.4701C>A, p.Asn1567Lys (NM_033071.5); short protein forms N1560K, N1567K.
Identifiers: ClinVar variation 2111304 (VCV002111304.4), dbSNP rs2498870624, ClinGen allele CA366141913.
Genomic context (GRCh38, chr6:152,430,491, plus strand): 5'-CAAATACAATGTGAAATATGTAAACTTAAGTATAGGTGGATCAATTCTTACCTTTCTAAG[G>T]TTCTCTTCAAACTTTTGCTGCTGAGATAAATGTCCCAGGATTGTTCCTTCCAGACACTGT-3'
Protein context (NP_892006.3, residues 1550-1570): HLSQQQKFEE[Asn1560Lys]LRKIQQSVSE

ClinVar aggregate classification (germline): Uncertain significance (1 of 4 stars; one submission).

Conditions:
Emery-Dreifuss muscular dystrophy 4, autosomal dominant (EDMD4). Also called: EMERY-DREIFUSS MUSCULAR DYSTROPHY 4 WITH VARIABLE FEATURES. Identifiers: Orphanet 261, MedGen C2751807, MONDO:0013071, OMIM 612998.
Autosomal recessive ataxia, Beauce type. Also called: SYNE1 Deficiency; Spinocerebellar ataxia, autosomal recessive 8; ATAXIA, RECESSIVE, OF BEAUCE; SYNE1-Related Autosomal Recessive Cerebellar Ataxia. Identifiers: Orphanet 88644, MedGen C1853116, MONDO:0012549, OMIM 610743.

Submission:

Labcorp Genetics (formerly Invitae), Labcorp
Classification: Uncertain significance for Emery-Dreifuss muscular dystrophy 4, autosomal dominant; Autosomal recessive ataxia, Beauce type. Last evaluated: 2022-03-13. Review status: criteria provided, single submitter. Criteria: Invitae Variant Classification Sherloc (09022015). Collection method: clinical testing. Allele origin: germline.
Comment: Algorithms developed to predict the effect of missense changes on protein structure and function are either unavailable or do not agree on the potential impact of this missense change (SIFT: "Deleterious"; PolyPhen-2: "Benign"; Align-GVGD: "Class C0"). This variant has not been reported in the literature in individuals affected with SYNE1-related conditions. This variant is not present in population databases (gnomAD no frequency). This sequence change replaces asparagine, which is neutral and polar, with lysine, which is basic and polar, at codon 1567 of the SYNE1 protein (p.Asn1567Lys). In summary, the available evidence is currently insufficient to determine the role of this variant in disease. Therefore, it has been classified as a Variant of Uncertain Significance.